The following is an entry in ClinVar:

ClinVar aggregate classification (germline): Uncertain significance. Review status: criteria provided, multiple submitters, no conflicts (2 of 4 stars). 2 submissions from 2 submitters: Uncertain significance (2). Last evaluated 2024-03-10.

Conditions:
Cardiovascular phenotype. Identifiers: MedGen CN230736.
Hereditary cancer-predisposing syndrome. Also called: Hereditary Cancer Syndrome; Hereditary neoplastic syndrome; Neoplastic Syndromes, Hereditary; Tumor predisposition. Identifiers: Orphanet 140162, MedGen C0027672, MeSH D009386, MONDO:0015356.

Submissions (2):

Labcorp Genetics (formerly Invitae), Labcorp
Classification: Uncertain significance. Last evaluated: 2024-03-10. Review status: criteria provided, single submitter. Criteria: Invitae Variant Classification Sherloc (09022015). Collection method: clinical testing. Allele origin: germline.
Comment: This sequence change replaces glycine, which is neutral and non-polar, with valine, which is neutral and non-polar, at codon 192 of the LZTR1 protein (p.Gly192Val). This variant is not present in population databases (gnomAD no frequency). This variant has not been reported in the literature in individuals affected with LZTR1-related conditions. ClinVar contains an entry for this variant (Variation ID: 1749475). Advanced modeling of protein sequence and biophysical properties (such as structural, functional, and spatial information, amino acid conservation, physicochemical variation, residue mobility, and thermodynamic stability) performed at Invitae indicates that this missense variant is not expected to disrupt LZTR1 protein function with a negative predictive value of 80%. In summary, the available evidence is currently insufficient to determine the role of this variant in disease. Therefore, it has been classified as a Variant of Uncertain Significance.

Ambry Genetics
Classification: Uncertain significance for Cardiovascular phenotype; Hereditary cancer-predisposing syndrome. Last evaluated: 2022-07-19. Review status: criteria provided, single submitter. Criteria: Ambry Variant Classification Scheme 2023. Collection method: clinical testing. Allele origin: germline.
Comment: The p.G192V variant (also known as c.575G>T), located in coding exon 6 of the LZTR1 gene, results from a G to T substitution at nucleotide position 575. The glycine at codon 192 is replaced by valine, an amino acid with dissimilar properties. This amino acid position is conserved. In addition, this alteration is predicted to be deleterious by in silico analysis. Since supporting evidence is limited at this time, the clinical significance of this alteration remains unclear.

NM_006767.4(LZTR1):c.575G>T (p.Gly192Val)

Gene: LZTR1 (leucine zipper like post translational regulator 1; plus strand). Cytogenetic location: 22q11.21.
Variant type: single nucleotide variant.
Coding change: c.575G>T on transcript NM_006767.4 (MANE Select); coding-DNA position 575, G replaced by T.
Protein change: p.Gly192Val; replaces glycine 192 with valine.
Molecular consequence: missense variant.
Genome position (GRCh38, 1-based): chr22:20,988,854, G>T. VCF-style: chr22-20988854-G-T. GRCh37 (hg19) VCF-style: chr22-21343143-G-T.
Other names: short protein forms G192V.
Identifiers: ClinVar variation 1749475 (VCV001749475.4), dbSNP rs2518614183, ClinGen allele CA410780215.